The following is an entry in ClinVar:

ClinVar aggregate classification (germline): Uncertain significance (1 of 4 stars; one submission).

Conditions:
Lafora disease. Also called: Epilepsy progressive myoclonic 2. Identifiers: Orphanet 501, MedGen C0751783, MONDO:0009697.

Allele frequency attached by ClinVar (database versions not stated): ExAC 0.00001; gnomAD 0.00001; TOPMed 0.00002; ESP Exome Variant Server 0.00008.

Submission:

Labcorp Genetics (formerly Invitae), Labcorp
Classification: Uncertain significance for Lafora disease. Last evaluated: 2022-05-30. Review status: criteria provided, single submitter. Criteria: Invitae Variant Classification Sherloc (09022015). Collection method: clinical testing. Allele origin: germline.
Comment: This sequence change replaces threonine, which is neutral and polar, with isoleucine, which is neutral and non-polar, at codon 232 of the NHLRC1 protein (p.Thr232Ile). This variant is present in population databases (rs371640803, gnomAD 0.01%). This variant has not been reported in the literature in individuals affected with NHLRC1-related conditions. Algorithms developed to predict the effect of missense changes on protein structure and function are either unavailable or do not agree on the potential impact of this missense change (SIFT: "Deleterious"; PolyPhen-2: "Possibly Damaging"; Align-GVGD: "Class C15"). In summary, the available evidence is currently insufficient to determine the role of this variant in disease. Therefore, it has been classified as a Variant of Uncertain Significance.

NM_198586.3(NHLRC1):c.695C>T (p.Thr232Ile)

Gene: NHLRC1 (NHL repeat containing E3 ubiquitin protein ligase 1; minus strand). Cytogenetic location: 6p22.3.
Variant type: single nucleotide variant.
Coding change: c.695C>T on transcript NM_198586.3 (MANE Select); coding-DNA position 695, C replaced by T.
Protein change: p.Thr232Ile; replaces threonine 232 with isoleucine.
Molecular consequence: missense variant.
Genome position (GRCh38, 1-based): chr6:18,121,912, G>A on the plus strand (C>T on the coding strand, the complement: NHLRC1 is on the minus strand). VCF-style: chr6-18121912-G-A. GRCh37 (hg19) VCF-style: chr6-18122143-G-A.
Other names: short protein forms T232I.
Identifiers: ClinVar variation 2186119 (VCV002186119.2), dbSNP rs371640803, ClinGen allele CA3649959.